The following is an entry in ClinVar:

ClinVar aggregate classification (germline): Uncertain significance (1 of 4 stars; one submission).

Allele frequency attached by ClinVar (database versions not stated): gnomAD exomes below 0.00001; gnomAD 0.00001; TOPMed 0.00004.
gnomAD v4.1: 5 of 1,578,958 alleles (0.00032%); highest among the groups gnomAD compares: African/African-American, 0.0041%; no homozygotes.

Submission:

Labcorp Genetics (formerly Invitae), Labcorp
Classification: Uncertain significance. Last evaluated: 2023-06-14. Review status: criteria provided, single submitter. Criteria: Invitae Variant Classification Sherloc (09022015). Collection method: clinical testing. Allele origin: germline.
Comment: In summary, the available evidence is currently insufficient to determine the role of this variant in disease. Therefore, it has been classified as a Variant of Uncertain Significance. Advanced modeling of protein sequence and biophysical properties (such as structural, functional, and spatial information, amino acid conservation, physicochemical variation, residue mobility, and thermodynamic stability) has been performed at Invitae for this missense variant, however the output from this modeling did not meet the statistical confidence thresholds required to predict the impact of this variant on RXYLT1 protein function. This variant has not been reported in the literature in individuals affected with RXYLT1-related conditions. This variant is not present in population databases (gnomAD no frequency). This sequence change replaces tryptophan, which is neutral and slightly polar, with glycine, which is neutral and non-polar, at codon 103 of the RXYLT1 protein (p.Trp103Gly).

NM_014254.3(RXYLT1):c.307T>G (p.Trp103Gly)

Gene: RXYLT1 (ribitol xylosyltransferase 1; plus strand). Cytogenetic location: 12q14.2.
Variant type: single nucleotide variant.
Coding change: c.307T>G on transcript NM_014254.3 (MANE Select); coding-DNA position 307, T replaced by G.
Protein change: p.Trp103Gly; replaces tryptophan 103 with glycine.
Molecular consequence: missense variant. On other transcripts: 5 prime UTR variant (1).
Genome position (GRCh38, 1-based): chr12:63,781,156, T>G. VCF-style: chr12-63781156-T-G. GRCh37 (hg19) VCF-style: chr12-64174936-T-G.
Other names: c.-474T>G (NM_001278237.2); short protein forms W103G.
Identifiers: ClinVar variation 2767215 (VCV002767215.2), dbSNP rs1040911684, ClinGen allele CA238224621.